The following is an entry in ClinVar:

ClinVar aggregate classification (germline): Conflicting classifications of pathogenicity. Review status: criteria provided, conflicting classifications (1 of 4 stars). 3 submissions from 3 submitters: Uncertain significance (1); Likely benign (1). 1 of the submissions does not count toward it. Last evaluated 2023-02-01.

Allele frequency attached by ClinVar (database versions not stated): 1000 Genomes Project 0.00280; 1000 Genomes Project 30x 0.00281; gnomAD 0.00594 and 0.00606; TOPMed 0.00612; ExAC 0.00620; gnomAD exomes 0.00637 and 0.00776; ESP Exome Variant Server 0.00669.
gnomAD v4.1: 12,237 of 1,612,074 alleles (0.76%); highest among the groups gnomAD compares: Middle Eastern, 2.2%; 58 homozygotes.

Submissions (3):

CeGaT Center for Human Genetics Tuebingen
Classification: Likely benign. Last evaluated: 2023-02-01. Review status: criteria provided, single submitter. Criteria: CeGaT Center For Human Genetics Tuebingen Variant Classification Criteria Version 2. Collection method: clinical testing. Allele origin: germline. Affected: yes. Observed: 2 variant alleles.
Comment: PDGFRL: BP4, BP7, BS2

Breakthrough Genomics
Classification: Uncertain significance. Review status: criteria provided, single submitter. Criteria: ACMG Guidelines, 2015. Collection method: not provided. Allele origin: germline. Inheritance: Autosomal recessive inheritance. Affected: yes.

Department of Pathology and Laboratory Medicine, Sinai Health System
Classification: Uncertain significance. Review status: no assertion criteria provided. Collection method: clinical testing. Allele origin: unknown. Affected: yes. Study: The Canadian Open Genetics Repository (COGR). Not counted in ClinVar's aggregate classification.

NM_001372073.1(PDGFRL):c.408A>G (p.Ala136=)

Gene: PDGFRL (platelet derived growth factor receptor like; plus strand). Cytogenetic location: 8p22.
Variant type: single nucleotide variant.
Coding change: c.408A>G on transcript NM_001372073.1 (MANE Select); coding-DNA position 408, A replaced by G.
Protein change: p.Ala136=; no amino-acid change (alanine 136 retained).
Molecular consequence: synonymous variant.
Genome position (GRCh38, 1-based): chr8:17,621,105, A>G. VCF-style: chr8-17621105-A-G. GRCh37 (hg19) VCF-style: chr8-17478614-A-G.
Other names: c.408A>G, p.Ala136= (NM_006207.2).
Identifiers: ClinVar variation 1048868 (VCV001048868.26), dbSNP rs34445293, ClinGen allele CA4645571.